The following is an entry in ClinVar:

NM_000030.3(AGXT):c.877G>A (p.Glu293Lys)

Gene: AGXT (alanine--glyoxylate aminotransferase; plus strand). Cytogenetic location: 2q37.3.
Variant type: single nucleotide variant.
Coding change: c.877G>A on transcript NM_000030.3 (MANE Select); coding-DNA position 877, G replaced by A.
Protein change: p.Glu293Lys; replaces glutamic acid 293 with lysine.
Molecular consequence: missense variant.
Genome position (GRCh38, 1-based): chr2:240,877,567, G>A. VCF-style: chr2-240877567-G-A. GRCh37 (hg19) VCF-style: chr2-241816984-G-A.
Other names: short protein forms E293K.
Identifiers: ClinVar variation 2178660 (VCV002178660.1), dbSNP rs761622783, ClinGen allele CA2209329.

ClinVar aggregate classification (germline): Uncertain significance (1 of 4 stars; one submission).

Allele frequency attached by ClinVar (database versions not stated): gnomAD exomes 0.00001; ExAC 0.00011.

Submission:

Labcorp Genetics (formerly Invitae), Labcorp
Classification: Uncertain significance. Last evaluated: 2022-06-09. Review status: criteria provided, single submitter. Criteria: Invitae Variant Classification Sherloc (09022015). Collection method: clinical testing. Allele origin: germline.
Comment: This sequence change replaces glutamic acid, which is acidic and polar, with lysine, which is basic and polar, at codon 293 of the AGXT protein (p.Glu293Lys). This variant is present in population databases (rs761622783, gnomAD 0.03%). This variant has not been reported in the literature in individuals affected with AGXT-related conditions. Algorithms developed to predict the effect of missense changes on protein structure and function are either unavailable or do not agree on the potential impact of this missense change (SIFT: "Deleterious"; PolyPhen-2: "Benign"; Align-GVGD: "Class C0"). In summary, the available evidence is currently insufficient to determine the role of this variant in disease. Therefore, it has been classified as a Variant of Uncertain Significance.